The following is an entry in ClinVar:

NM_001048166.1(STIL):c.-44+15G>A

Gene: STIL (STIL centriolar assembly protein; minus strand). Cytogenetic location: 1p33.
Variant type: single nucleotide variant.
Coding change: c.-44+15G>A on transcript NM_001048166.1 (MANE Select); 15 bases into the intron after 44 bases upstream of the start codon, G replaced by A.
Molecular consequence: intron variant.
Genome position (GRCh38, 1-based): chr1:47,314,021, C>T on the plus strand (G>A on the coding strand, the complement: STIL is on the minus strand). VCF-style: chr1-47314021-C-T. GRCh37 (hg19) VCF-style: chr1-47779693-C-T.
Other names: c.-44+15G>A (NM_003035.2); c.-118+15G>A (NM_001282939.1); c.-253+15G>A (NM_001282938.1, NM_001282937.1, NM_001282936.1).
Identifiers: ClinVar variation 297569 (VCV000297569.7), dbSNP rs13376465, ClinGen allele CA10610407.

ClinVar aggregate classification (germline): Benign. Review status: criteria provided, multiple submitters, no conflicts (2 of 4 stars). 2 submissions from 2 submitters: Benign (2). Last evaluated 2018-01-13.

Conditions:
Microcephaly 7, primary, autosomal recessive. Identifiers: Orphanet 2512, MedGen C2675187, MONDO:0012989, OMIM 612703.

Allele frequency attached by ClinVar (database versions not stated): gnomAD 0.04672 and 0.05019; 1000 Genomes Project 0.05172; TOPMed 0.05336; 1000 Genomes Project 30x 0.05497.

Submissions (2):

Illumina Laboratory Services, Illumina
Classification: Benign for Microcephaly 7, primary, autosomal recessive. Last evaluated: 2018-01-13. Review status: criteria provided, single submitter. Criteria: ICSL Variant Classification Criteria 13 December 2019. Collection method: clinical testing. Allele origin: germline.
Comment: This variant was observed in the ICSL laboratory as part of a predisposition screen in an ostensibly healthy population. It had not been previously curated by ICSL or reported in the Human Gene Mutation Database (HGMD: prior to June 1st, 2018), and was therefore a candidate for classification through an automated scoring system. Utilizing variant allele frequency, disease prevalence and penetrance estimates, and inheritance mode, an automated score was calculated to assess if this variant is too frequent to cause the disease. Based on the score and internal cut-off values, a variant classified as benign is not then subjected to further curation. The score for this variant resulted in a classification of benign for this disease.

GeneDx
Classification: Benign. Last evaluated: 2015-03-03. Review status: criteria provided, single submitter. Criteria: GeneDx Variant Classification Process June 2021. Collection method: clinical testing. Allele origin: germline. Affected: yes.